The following is an entry in ClinVar:

NM_014875.3(KIF14):c.1603T>G (p.Ser535Ala)

Gene: KIF14 (kinesin family member 14; minus strand). Cytogenetic location: 1q32.1.
Variant type: single nucleotide variant.
Coding change: c.1603T>G on transcript NM_014875.3 (MANE Select); coding-DNA position 1603, T replaced by G.
Protein change: p.Ser535Ala; replaces serine 535 with alanine.
Molecular consequence: missense variant.
Genome position (GRCh38, 1-based): chr1:200,606,750, A>C on the plus strand (T>G on the coding strand, the complement: KIF14 is on the minus strand). VCF-style: chr1-200606750-A-C. GRCh37 (hg19) VCF-style: chr1-200575878-A-C.
Other names: c.130T>G, p.Ser44Ala (NM_001305792.1); short protein forms S44A, S535A.
Identifiers: ClinVar variation 4082461 (VCV004082461.2).

ClinVar aggregate classification (germline): Uncertain significance (1 of 4 stars; one submission).

gnomAD v4.1: 38 of 1,613,336 alleles (0.0024%); highest among the groups gnomAD compares: Middle Eastern, 0.54%; no homozygotes.

Submission:

Genetic Services Laboratory, University of Chicago
Classification: Uncertain significance. Last evaluated: 2023-03-31. Review status: criteria provided, single submitter. Criteria: ACMG Guidelines, 2015. Collection method: clinical testing. Allele origin: germline. Affected: no.
Comment: DNA sequence analysis of the KIF14 gene demonstrated a sequence change, c.1603T>G, in exon 6 that results in an amino acid change, p.Ser535Ala. This sequence change does not appear to have been previously described in individuals with KIF14-related disorders and has also not been described in population databases such as ExAC and gnomAD. The p.Ser535Ala change affects a highly conserved amino acid residue located in a domain of the KIF14 protein that is known to be functional. In-silico pathogenicity prediction tools (SIFT, PolyPhen2, Align GVGD, REVEL) provide contradictory results for the p.Ser535Ala substitution. Due to insufficient evidence and the lack of functional studies, the clinical significance of the p.Ser535Ala change remains unknown at this time.